The following is an entry in ClinVar:

ClinVar aggregate classification (germline): Uncertain significance (1 of 4 stars; one submission).

Conditions:
Neurodevelopmental disorder. Identifiers: MedGen C1535926, MeSH D065886, MONDO:0700092.

gnomAD v4.1: 1 of 1,203,064 alleles (0.000083%); highest among the groups gnomAD compares: Non-Finnish European, 0.00011%; no homozygotes.

Submission:

Developmental Brain Disorders Lab, Seattle Children's Hospital
Classification: Uncertain significance for Neurodevelopmental disorder. Last evaluated: 2025-05-01. Review status: criteria provided, single submitter. Criteria: ACMG Guidelines, 2015. Collection method: research. Allele origin: unknown. Affected: yes.
Comment: This is a missense variant that is absent in gnomAD v4.1.0. It meets ACMG variant classification criteria (PM2) (PMID:25741868)

NM_001282874.2(SMARCA1):c.3141+11C>T

Gene: SMARCA1 (SNF2 related chromatin remodeling ATPase 1; minus strand). Cytogenetic location: Xq25.
Variant type: single nucleotide variant.
Coding change: c.3141+11C>T on transcript NM_001282874.2 (MANE Select); 11 bases into the intron after coding-DNA position 3141, C replaced by T.
Molecular consequence: intron variant. On other transcripts: missense variant (3).
Genome position (GRCh38, 1-based): chrX:129,448,322, G>A on the plus strand (C>T on the coding strand, the complement: SMARCA1 is on the minus strand). VCF-style: chrX-129448322-G-A. GRCh37 (hg19) VCF-style: chrX-128582299-G-A.
Other names: c.3116C>T, p.Ser1039Leu (NM_001378262.1, NM_001378263.1); c.3152C>T, p.Ser1051Leu (NM_003069.5); c.3105+11C>T (NM_001282875.2, NM_001378264.1); c.3141+11C>T (NM_001378261.1); short protein forms S1039L, S1051L.
Identifiers: ClinVar variation 3901137 (VCV003901137.1).
Genomic context (GRCh38, chrX:129,448,322, plus strand): 5'-TAATATAGGCATTTTAATTATGTAAAAAAATGGGATCTACCTAAAAGTTAGGAAAATGCT[G>A]AAAATTTTACCATTGGAGTTTTAGTTGCCCGTTTCTTCTTTTCTGCTCTCTCTCTTTCCT-3'